The following is an entry in ClinVar:

NM_031924.8(RSPH3):c.1086G>C (p.Glu362Asp)

Gene: RSPH3 (radial spoke head 3; minus strand). Cytogenetic location: 6q25.3.
Variant type: single nucleotide variant.
Coding change: c.1086G>C on transcript NM_031924.8 (MANE Select); coding-DNA position 1086, G replaced by C.
Protein change: p.Glu362Asp; replaces glutamic acid 362 with aspartic acid.
Molecular consequence: missense variant. On other transcripts: non-coding transcript variant (1).
Genome position (GRCh38, 1-based): chr6:158,977,709, C>G on the plus strand (G>C on the coding strand, the complement: RSPH3 is on the minus strand). VCF-style: chr6-158977709-C-G. GRCh37 (hg19) VCF-style: chr6-159398741-C-G.
Other names: c.1224G>C, p.Glu408Asp (NM_001346418.1); short protein forms E362D, E408D.
Identifiers: ClinVar variation 1392759 (VCV001392759.8), dbSNP rs374887740, ClinGen allele CA366278872.

ClinVar aggregate classification (germline): Uncertain significance (1 of 4 stars; one submission).

Conditions:
Primary ciliary dyskinesia 32. Also called: CILIARY DYSKINESIA, PRIMARY, 32, WITHOUT SITUS INVERSUS. Identifiers: Orphanet 244, MedGen C4225311, MONDO:0014657, OMIM 616481.

Submission:

Labcorp Genetics (formerly Invitae), Labcorp
Classification: Uncertain significance for Primary ciliary dyskinesia 32. Last evaluated: 2021-05-03. Review status: criteria provided, single submitter. Criteria: Invitae Variant Classification Sherloc (09022015). Collection method: clinical testing. Allele origin: germline.
Comment: In summary, the available evidence is currently insufficient to determine the role of this variant in disease. Therefore, it has been classified as a Variant of Uncertain Significance. Algorithms developed to predict the effect of missense changes on protein structure and function output the following: SIFT: "Tolerated"; PolyPhen-2: "Benign"; Align-GVGD: "Class C0". The aspartic acid amino acid residue is found in multiple mammalian species, suggesting that this missense change does not adversely affect protein function. These predictions have not been confirmed by published functional studies and their clinical significance is uncertain. This variant has not been reported in the literature in individuals with RSPH3-related conditions. This variant is not present in population databases (ExAC no frequency). This sequence change replaces glutamic acid with aspartic acid at codon 504 of the RSPH3 protein (p.Glu504Asp). The glutamic acid residue is moderately conserved and there is a small physicochemical difference between glutamic acid and aspartic acid.